The following is an entry in ClinVar:

NM_177438.3(DICER1):c.5453C>T (p.Ala1818Val)

Gene: DICER1 (dicer 1, ribonuclease III; minus strand). Cytogenetic location: 14q32.13.
Variant type: single nucleotide variant.
Coding change: c.5453C>T on transcript NM_177438.3 (MANE Select); coding-DNA position 5453, C replaced by T.
Protein change: p.Ala1818Val; replaces alanine 1818 with valine.
Molecular consequence: missense variant. On other transcripts: non-coding transcript variant (6), intron variant (1).
Genome position (GRCh38, 1-based): chr14:95,091,277, G>A on the plus strand (C>T on the coding strand, the complement: DICER1 is on the minus strand). VCF-style: chr14-95091277-G-A. GRCh37 (hg19) VCF-style: chr14-95557614-G-A.
Other names: c.5453C>T, p.Ala1818Val (NM_001271282.3, NM_001291628.2, NM_001395677.1 and 8 more transcripts); c.5171C>T, p.Ala1724Val (NM_001395686.1); c.5048C>T, p.Ala1683Val (NM_001395687.1, NM_001395688.1, NM_001395689.1 and 1 more transcripts); c.4886C>T, p.Ala1629Val (NM_001395691.1); c.3770C>T, p.Ala1257Val (NM_001395697.1); c.5365-168C>T (NM_001195573.1); short protein forms A1257V, A1629V, A1818V, A1683V, A1724V.
Identifiers: ClinVar variation 2586432 (VCV002586432.2), dbSNP rs2542405708, ClinGen allele CA390864622.

ClinVar aggregate classification (germline): Uncertain significance (1 of 4 stars; one submission).

Conditions:
Hereditary cancer-predisposing syndrome. Also called: Hereditary neoplastic syndrome; Tumor predisposition; Hereditary Cancer Syndrome; Neoplastic Syndromes, Hereditary. Identifiers: Orphanet 140162, MedGen C0027672, MeSH D009386, MONDO:0015356.

Submission:

Ambry Genetics
Classification: Uncertain significance for Hereditary cancer-predisposing syndrome. Last evaluated: 2023-09-04. Review status: criteria provided, single submitter. Criteria: Ambry Variant Classification Scheme 2023. Collection method: clinical testing. Allele origin: germline.
Comment: The p.A1818V variant (also known as c.5453C>T), located in coding exon 24 of the DICER1 gene, results from a C to T substitution at nucleotide position 5453. The alanine at codon 1818 is replaced by valine, an amino acid with similar properties. This amino acid position is conserved. In addition, this alteration is predicted to be deleterious by in silico analysis. Since supporting evidence is limited at this time, the clinical significance of this alteration remains unclear.